The following is an entry in ClinVar:

NM_177438.3(DICER1):c.4709A>T (p.Tyr1570Phe)

Gene: DICER1 (dicer 1, ribonuclease III; minus strand). Cytogenetic location: 14q32.13.
Variant type: single nucleotide variant.
Coding change: c.4709A>T on transcript NM_177438.3 (MANE Select); coding-DNA position 4709, A replaced by T.
Protein change: p.Tyr1570Phe; replaces tyrosine 1570 with phenylalanine.
Molecular consequence: missense variant. On other transcripts: non-coding transcript variant (6).
Genome position (GRCh38, 1-based): chr14:95,096,211, T>A on the plus strand (A>T on the coding strand, the complement: DICER1 is on the minus strand). VCF-style: chr14-95096211-T-A. GRCh37 (hg19) VCF-style: chr14-95562548-T-A.
Other names: c.4709A>T, p.Tyr1570Phe (NM_001195573.1, NM_001271282.3, NM_001291628.2 and 13 more transcripts); c.4427A>T, p.Tyr1476Phe (NM_001395686.1); c.4304A>T, p.Tyr1435Phe (NM_001395687.1, NM_001395688.1, NM_001395689.1 and 2 more transcripts); c.4142A>T, p.Tyr1381Phe (NM_001395691.1); c.3026A>T, p.Tyr1009Phe (NM_001395697.1); short protein forms Y1570F, Y1009F, Y1476F, Y1435F, Y1381F.
Identifiers: ClinVar variation 1742580 (VCV001742580.5), dbSNP rs765396989, ClinGen allele CA390867473.

ClinVar aggregate classification (germline): Uncertain significance. Review status: criteria provided, multiple submitters, no conflicts (2 of 4 stars). 2 submissions from 2 submitters: Uncertain significance (2). Last evaluated 2023-03-12.

Conditions:
DICER1-related tumor predisposition. Also called: DICER1 syndrome; DICER1-related pleuropulmonary blastoma cancer predisposition syndrome. Identifiers: Orphanet 284343, MedGen C3839822, MONDO:0100216.
Hereditary cancer-predisposing syndrome. Also called: Neoplastic Syndromes, Hereditary; Tumor predisposition; Hereditary Cancer Syndrome; Hereditary neoplastic syndrome. Identifiers: Orphanet 140162, MedGen C0027672, MeSH D009386, MONDO:0015356.

Submissions (2):

Labcorp Genetics (formerly Invitae), Labcorp
Classification: Uncertain significance for DICER1-related tumor predisposition. Last evaluated: 2023-03-12. Review status: criteria provided, single submitter. Criteria: Invitae Variant Classification Sherloc (09022015). Collection method: clinical testing. Allele origin: germline.
Comment: In summary, the available evidence is currently insufficient to determine the role of this variant in disease. Therefore, it has been classified as a Variant of Uncertain Significance. Advanced modeling of protein sequence and biophysical properties (such as structural, functional, and spatial information, amino acid conservation, physicochemical variation, residue mobility, and thermodynamic stability) performed at Invitae indicates that this missense variant is expected to disrupt DICER1 protein function. ClinVar contains an entry for this variant (Variation ID: 1742580). This variant has not been reported in the literature in individuals affected with DICER1-related conditions. This variant is present in population databases (no rsID available, gnomAD 0.003%). This sequence change replaces tyrosine, which is neutral and polar, with phenylalanine, which is neutral and non-polar, at codon 1570 of the DICER1 protein (p.Tyr1570Phe).

Ambry Genetics
Classification: Uncertain significance for Hereditary cancer-predisposing syndrome. Last evaluated: 2021-08-04. Review status: criteria provided, single submitter. Criteria: Ambry Variant Classification Scheme 2023. Collection method: clinical testing. Allele origin: germline.
Comment: The p.Y1570F variant (also known as c.4709A>T), located in coding exon 22 of the DICER1 gene, results from an A to T substitution at nucleotide position 4709. The tyrosine at codon 1570 is replaced by phenylalanine, an amino acid with highly similar properties. This amino acid position is highly conserved in available vertebrate species. In addition, the in silico prediction for this alteration is inconclusive. Since supporting evidence is limited at this time, the clinical significance of this alteration remains unclear.